The following is an entry in ClinVar:

NM_031443.4(CCM2):c.1120G>A (p.Val374Met)

Gene: CCM2 (CCM2 scaffold protein; plus strand). Cytogenetic location: 7p13.
Variant type: single nucleotide variant.
Coding change: c.1120G>A on transcript NM_031443.4 (MANE Select); coding-DNA position 1120, G replaced by A.
Protein change: p.Val374Met; replaces valine 374 with methionine.
Molecular consequence: missense variant. On other transcripts: non-coding transcript variant (1).
Genome position (GRCh38, 1-based): chr7:45,075,842, G>A. VCF-style: chr7-45075842-G-A. GRCh37 (hg19) VCF-style: chr7-45115441-G-A.
Other names: p.Val374Met; c.1120G>A (NM_031443.3); c.1183G>A, p.Val395Met (NM_001029835.2); c.946G>A, p.Val316Met (NM_001167934.2); c.847G>A, p.Val283Met (NM_001167935.2); c.1243G>A, p.Val415Met (NM_001363458.2); c.1069G>A, p.Val357Met (NM_001363459.2); short protein forms V283M, V415M, V374M, V395M, V316M, V357M.
Identifiers: ClinVar variation 1482493 (VCV001482493.10), dbSNP rs200669376, ClinGen allele CA4247266.

ClinVar aggregate classification (germline): Uncertain significance. Review status: criteria provided, multiple submitters, no conflicts (2 of 4 stars). 3 submissions from 3 submitters: Uncertain significance (3). Last evaluated 2025-02-26.

Conditions:
Inborn genetic diseases. Identifiers: MedGen C0950123, MeSH D030342.
Cerebral cavernous malformation 2. Also called: Familial Cerebral Cavernous Malformation 2. Identifiers: Orphanet 221061, MedGen C1864041, MONDO:0011304, OMIM 603284.

Allele frequency attached by ClinVar (database versions not stated): ESP Exome Variant Server 0.00008.
gnomAD v4.1: 89 of 1,613,646 alleles (0.0055%); highest among the groups gnomAD compares: Middle Eastern, 0.016%; no homozygotes.

Submissions (3):

Ambry Genetics
Classification: Uncertain significance for Inborn genetic diseases. Last evaluated: 2025-02-26. Review status: criteria provided, single submitter. Criteria: Ambry Variant Classification Scheme 2023. Collection method: clinical testing. Allele origin: germline.

Mayo Clinic Laboratories, Mayo Clinic
Classification: Uncertain significance. Last evaluated: 2023-11-08. Review status: criteria provided, single submitter. Criteria: ACMG Guidelines, 2015. Collection method: clinical testing. Allele origin: germline. Observed: 1 variant allele.

Labcorp Genetics (formerly Invitae), Labcorp
Classification: Uncertain significance for Cerebral cavernous malformation 2. Last evaluated: 2021-09-18. Review status: criteria provided, single submitter. Criteria: Invitae Variant Classification Sherloc (09022015). Collection method: clinical testing. Allele origin: germline.
Comment: In summary, the available evidence is currently insufficient to determine the role of this variant in disease. Therefore, it has been classified as a Variant of Uncertain Significance. This sequence change replaces valine with methionine at codon 374 of the CCM2 protein (p.Val374Met). The valine residue is highly conserved and there is a small physicochemical difference between valine and methionine. This variant is present in population databases (rs200669376, ExAC 0.003%). This variant has not been reported in the literature in individuals affected with CCM2-related conditions. Algorithms developed to predict the effect of missense changes on protein structure and function are either unavailable or do not agree on the potential impact of this missense change (SIFT: "Deleterious"; PolyPhen-2: "Probably Damaging"; Align-GVGD: "Class C0").